The following is an entry in ClinVar:

ClinVar aggregate classification (germline): Uncertain significance (1 of 4 stars; one submission).

Conditions:
MHC class I deficiency. Identifiers: Orphanet 34592, MedGen C6024714, MONDO:0011476.

Submission:

Labcorp Genetics (formerly Invitae), Labcorp
Classification: Uncertain significance for MHC class I deficiency 1. Last evaluated: 2022-11-01. Review status: criteria provided, single submitter. Criteria: Invitae Variant Classification Sherloc (09022015). Collection method: clinical testing. Allele origin: germline.
Comment: In summary, the available evidence is currently insufficient to determine the role of this variant in disease. Therefore, it has been classified as a Variant of Uncertain Significance. Experimental studies and prediction algorithms are not available or were not evaluated, and the functional significance of this variant is currently unknown. ClinVar contains an entry for this variant (Variation ID: 1445789). This variant has not been reported in the literature in individuals affected with TAP2-related conditions. This variant is present in population databases (no rsID available, gnomAD 0.03%). This variant, c.1746_1754dup, results in the insertion of 3 amino acid(s) of the TAP2 protein (p.Ala583_Ala585dup), but otherwise preserves the integrity of the reading frame.

NM_001290043.2(TAP2):c.1746_1754dup (p.Ala583_Ala585dup)

Gene: TAP2 (transporter 2, ATP binding cassette subfamily B member; minus strand). Cytogenetic location: 6p21.32.
Variant type: Duplication.
Coding change: c.1746_1754dup on transcript NM_001290043.2 (MANE Select); coding-DNA positions 1746 to 1754, 9 bases duplicated (TGCCCACGC; older notation c.1746_1754dupTGCCCACGC).
Protein change: p.Ala583_Ala585dup.
Molecular consequence: inframe insertion.
Genome position (GRCh38, 1-based): chr6:32,829,971-32,829,979, GCGTGGGCA duplicated on the plus strand (TGCCCACGC on the coding strand, the reverse complement: TAP2 is on the minus strand); duplicating any 9 consecutive bases within chr6:32,829,971-32,829,981 gives the same sequence; the c. name uses the placement nearest the transcript's 3' end. VCF-style (leftmost placement, unchanged base first): chr6-32829970-T-TGCGTGGGCA. GRCh37 (hg19) VCF-style: chr6-32797747-T-TGCGTGGGCA.
Other names: c.1746_1754dup, p.Ala583_Ala585dup (NM_000544.3, NM_018833.3).
Identifiers: ClinVar variation 1445789 (VCV001445789.8), dbSNP rs1562325678, ClinGen allele CA566697903.